The following is an entry in ClinVar:

NM_005045.4(RELN):c.8683C>T (p.Arg2895Cys)

Genes: RELN (reelin; minus strand), SLC26A5-AS1 (SLC26A5 antisense RNA 1; plus strand). Cytogenetic location: 7q22.1.
Variant type: single nucleotide variant.
Coding change: c.8683C>T on transcript NM_005045.4 (MANE Select); coding-DNA position 8683, C replaced by T.
Protein change: p.Arg2895Cys; replaces arginine 2895 with cysteine.
Molecular consequence: missense variant.
Genome position (GRCh38, 1-based): chr7:103,498,237, G>A on the plus strand (C>T on the coding strand, the complement: RELN is on the minus strand). VCF-style: chr7-103498237-G-A. GRCh37 (hg19) VCF-style: chr7-103138684-G-A.
Other names: c.8683C>T, p.Arg2895Cys (NM_173054.3); short protein forms R2895C.
Identifiers: ClinVar variation 2180764 (VCV002180764.4), dbSNP rs573510714, ClinGen allele CA4420401.

ClinVar aggregate classification (germline): Uncertain significance (1 of 4 stars; one submission).

Conditions:
Familial temporal lobe epilepsy 7. Identifiers: Orphanet 101046, MedGen C4225327, MONDO:0014639, OMIM 616436.
Norman-Roberts syndrome (LIS2). Also called: Lissencephaly 2 (Norman-Roberts type). Identifiers: Orphanet 89844, MedGen C0796089, MONDO:0009760, OMIM 257320.

Allele frequency attached by ClinVar (database versions not stated): ExAC 0.00002; gnomAD 0.00003; 1000 Genomes Project 0.00020; 1000 Genomes Project 30x 0.00031.
gnomAD v4.1: 27 of 1,613,748 alleles (0.0017%); highest among the groups gnomAD compares: African/African-American, 0.0053%; no homozygotes.

Submission:

Labcorp Genetics (formerly Invitae), Labcorp
Classification: Uncertain significance for Familial temporal lobe epilepsy 7; Norman-Roberts syndrome. Last evaluated: 2025-09-20. Review status: criteria provided, single submitter. Criteria: Invitae Variant Classification Sherloc (09022015). Collection method: clinical testing. Allele origin: germline.
Comment: This sequence change replaces arginine, which is basic and polar, with cysteine, which is neutral and slightly polar, at codon 2895 of the RELN protein (p.Arg2895Cys). This variant is present in population databases (rs573510714, gnomAD 0.01%). This variant has not been reported in the literature in individuals affected with RELN-related conditions. ClinVar contains an entry for this variant (Variation ID: 2180764). Invitae Evidence Modeling of protein sequence and biophysical properties (such as structural, functional, and spatial information, amino acid conservation, physicochemical variation, residue mobility, and thermodynamic stability) indicates that this missense variant is not expected to disrupt RELN protein function with a negative predictive value of 80%. In summary, the available evidence is currently insufficient to determine the role of this variant in disease. Therefore, it has been classified as a Variant of Uncertain Significance.